The following is an entry in ClinVar:

ClinVar aggregate classification (germline): Uncertain significance. Review status: criteria provided, multiple submitters, no conflicts (2 of 4 stars). 2 submissions from 2 submitters: Uncertain significance (2). Last evaluated 2025-03-03.

Conditions:
Inborn genetic diseases. Identifiers: MedGen C0950123, MeSH D030342.

Allele frequency attached by ClinVar (database versions not stated): gnomAD exomes below 0.00001; TOPMed 0.00001; gnomAD 0.00003.
gnomAD v4.1: 5 of 1,612,900 alleles (0.00031%); highest among the groups gnomAD compares: Non-Finnish European, 0.00042%; no homozygotes.

Submissions (2):

Ambry Genetics
Classification: Uncertain significance for Inborn genetic diseases. Last evaluated: 2025-03-03. Review status: criteria provided, single submitter. Criteria: Ambry Variant Classification Scheme 2023. Collection method: clinical testing. Allele origin: germline.

Labcorp Genetics (formerly Invitae), Labcorp
Classification: Uncertain significance. Last evaluated: 2025-02-24. Review status: criteria provided, single submitter. Criteria: Invitae Variant Classification Sherloc (09022015). Collection method: clinical testing. Allele origin: germline.
Comment: This sequence change replaces threonine, which is neutral and polar, with alanine, which is neutral and non-polar, at codon 305 of the PAX1 protein (p.Thr305Ala). This variant is present in population databases (no rsID available, gnomAD 0.0009%). This variant has not been reported in the literature in individuals affected with PAX1-related conditions. ClinVar contains an entry for this variant (Variation ID: 1899415). Invitae Evidence Modeling of protein sequence and biophysical properties (such as structural, functional, and spatial information, amino acid conservation, physicochemical variation, residue mobility, and thermodynamic stability) indicates that this missense variant is not expected to disrupt PAX1 protein function with a negative predictive value of 80%. In summary, the available evidence is currently insufficient to determine the role of this variant in disease. Therefore, it has been classified as a Variant of Uncertain Significance.

NM_001257096.2(PAX1):c.913A>G (p.Thr305Ala)

Gene: PAX1 (paired box 1; plus strand). Cytogenetic location: 20p11.22.
Variant type: single nucleotide variant.
Coding change: c.913A>G on transcript NM_001257096.2 (MANE Select); coding-DNA position 913, A replaced by G.
Protein change: p.Thr305Ala; replaces threonine 305 with alanine.
Molecular consequence: missense variant.
Genome position (GRCh38, 1-based): chr20:21,707,064, A>G. VCF-style: chr20-21707064-A-G. GRCh37 (hg19) VCF-style: chr20-21687702-A-G.
Other names: c.913A>G, p.Thr305Ala (NM_006192.5); c.913A>G (NM_006192.3); short protein forms T305A.
Identifiers: ClinVar variation 1899415 (VCV001899415.4), dbSNP rs1308225820, ClinGen allele CA408498971.